The following is an entry in ClinVar:

NM_000274.4(OAT):c.897C>G (p.Tyr299Ter)

Gene: OAT (ornithine aminotransferase; minus strand). Cytogenetic location: 10q26.13.
Variant type: single nucleotide variant.
Coding change: c.897C>G on transcript NM_000274.4 (MANE Select); coding-DNA position 897, C replaced by G.
Protein change: p.Tyr299Ter; replaces tyrosine 299 with a stop codon.
Molecular consequence: nonsense.
Genome position (GRCh38, 1-based): chr10:124,402,930, G>C on the plus strand (C>G on the coding strand, the complement: OAT is on the minus strand). VCF-style: chr10-124402930-G-C. GRCh37 (hg19) VCF-style: chr10-126091499-G-C.
Other names: c.483C>G, p.Tyr161Ter (NM_001171814.2); c.897C>G, p.Tyr299Ter (NM_001322965.2, NM_001322966.2, NM_001322967.2 and 3 more transcripts); c.576C>G, p.Tyr192Ter (NM_001322971.2); c.297C>G, p.Tyr99Ter (NM_001322974.2); short protein forms Y299*, Y161*, Y99*, Y192*.
Identifiers: ClinVar variation 176 (VCV000000176.24), dbSNP rs121965057, ClinGen allele CA113998.

ClinVar aggregate classification (germline): Pathogenic. Review status: criteria provided, multiple submitters, no conflicts (2 of 4 stars). 11 submissions from 11 submitters: Pathogenic (10). 1 of the submissions does not count toward it. Last evaluated 2026-03-10.

Conditions:
OAT-related disorder. Also called: OAT-related condition.
Retinal dystrophy. Also called: Inherited retinal dystrophy. Identifiers: Orphanet 71862, MedGen C0854723, MeSH D058499, MONDO:0019118, HP:0000556.
Ornithine aminotransferase deficiency (GACR). Also called: OAT DEFICIENCY; HYPERORNITHINEMIA WITH GYRATE ATROPHY OF CHOROID AND RETINA; Ornithine ketoacid aminotransferase deficiency; Gyrate atrophy; Gyrate atrophy of choroid and retina; Girate atrophy of the retina. Identifiers: Orphanet 414, MedGen C0018425, MONDO:0009796, OMIM 258870.

Allele frequency attached by ClinVar (database versions not stated): ExAC 0.00001; gnomAD exomes 0.00002 and 0.00005; gnomAD 0.00003; TOPMed 0.00003.
gnomAD v4.1: 78 of 1,613,614 alleles (0.0048%); highest among the groups gnomAD compares: Non-Finnish European, 0.0065%; no homozygotes.

Submissions (11):

PreventionGenetics, part of Exact Sciences
Classification: Pathogenic for OAT-related condition. Last evaluated: 2026-03-10. Review status: criteria provided, single submitter. Criteria: ACMG Guidelines, 2015. Collection method: clinical testing. Allele origin: germline.
Comment: The OAT c.897C>G variant is predicted to result in premature protein termination (p.Tyr299*). This variant has been reported in the compound heterozygous state in multiple individuals with gyrate atrophy (Mashima et al. 1992. PubMed ID: 1609808; Renner et al. 2012. PubMed ID: 22674428; Table S1, Lin et al. 2024. PubMed ID: 38219857). Functional studies indicate this variant results in reduced OAT mRNA in skin fibroblasts (Table 1, Mashima et al. 1992. PubMed ID: 1609808). This variant is present in 0.0035% of alleles in individuals of European (non-Finnish) descent in gnomAD. Nonsense variants in OAT are an established mechanism of disease. This variant is interpreted as pathogenic.

Labcorp Genetics (formerly Invitae), Labcorp
Classification: Pathogenic for Ornithine aminotransferase deficiency. Last evaluated: 2025-12-30. Review status: criteria provided, single submitter. Criteria: Invitae Variant Classification Sherloc (09022015). Collection method: clinical testing. Allele origin: germline.
Comment: This sequence change creates a premature translational stop signal (p.Tyr299*) in the OAT gene. It is expected to result in an absent or disrupted protein product. Loss-of-function variants in OAT are known to be pathogenic (PMID: 1737786, 23076989). This variant is present in population databases (rs121965057, gnomAD 0.004%). This premature translational stop signal has been observed in individuals with gyrate atrophy (PMID: 1609808, 22674428). ClinVar contains an entry for this variant (Variation ID: 176). For these reasons, this variant has been classified as Pathogenic.

Natera, Inc.
Classification: Pathogenic for Gyrate atrophy. Last evaluated: 2025-10-07. Review status: criteria provided, single submitter. Criteria: Natera Variant Classification Schema (03/2026). Collection method: clinical testing. Allele origin: germline.
Comment: The c.897C>G variant in OAT is a nonsense variant predicted to introduce a stop codon at amino acid 299. This variant is expected to result in nonsense mediated decay, truncation, or a dysfunctional protein product. This variant is rare in the general population with a frequency below the threshold expected for the associated phenotype(s). This variant has been observed in one or more individuals affected with the associated recessive disease, as either homozygous or compound heterozygous with a second variant (PMID: 1609808). Given the available evidence, this variant is classified as Pathogenic.

Revvity Omics, Revvity
Classification: Pathogenic for Ornithine aminotransferase deficiency. Last evaluated: 2025-03-19. Review status: criteria provided, single submitter. Criteria: ACMG Guidelines, 2015. Collection method: clinical testing. Allele origin: germline.

Fulgent Genetics
Classification: Pathogenic for Ornithine aminotransferase deficiency. Last evaluated: 2024-06-23. Review status: criteria provided, single submitter. Criteria: ACMG Guidelines, 2015. Collection method: clinical testing. Allele origin: germline.

Blueprint Genetics
Classification: Pathogenic for OAT-related disorders. Last evaluated: 2024-05-31. Review status: criteria provided, single submitter. Criteria: ACMG Guidelines, 2015. Collection method: clinical testing. Allele origin: germline. Affected: yes. Observed: 5 variant alleles.

Myriad Genetics, Inc.
Classification: Pathogenic for Ornithine aminotransferase deficiency. Last evaluated: 2024-05-14. Review status: criteria provided, single submitter. Criteria: Myriad Autosomal Dominant, Autosomal Recessive and X-Linked Classification Criteria (2023). Collection method: clinical testing. Allele origin: unknown.
Comment: NM_000274.3(OAT):c.897C>G(Y299*) is expected to be pathogenic in the context of ornithine aminotransferase deficiency. This variant is predicted to lead to an abnormal or absent protein product due to the creation of a premature termination codon in OAT, a gene where loss-of-function variants are known to be pathogenic. Please note: this variant was assessed in the context of healthy population screening.

Baylor Genetics
Classification: Pathogenic for Ornithine aminotransferase deficiency. Last evaluated: 2024-01-16. Review status: criteria provided, single submitter. Criteria: ACMG Guidelines, 2015. Collection method: clinical testing. Allele origin: unknown.

Institute for Clinical Genetics, University Hospital TU Dresden, University Hospital TU Dresden
Classification: Pathogenic. Last evaluated: 2021-11-03. Review status: criteria provided, single submitter. Criteria: ACMG Guidelines, 2015. Collection method: clinical testing. Allele origin: germline.

Institute of Human Genetics, Univ. Regensburg, Univ. Regensburg
Classification: Pathogenic for Retinal dystrophy. Last evaluated: 2009-01-01. Review status: criteria provided, single submitter. Criteria: ACMG Guidelines, 2015. Collection method: clinical testing. Allele origin: germline. Affected: yes.

OMIM
Classification: Pathogenic for GYRATE ATROPHY OF CHOROID AND RETINA. Last evaluated: 1992-07-01. Review status: no assertion criteria provided. Collection method: literature only. Allele origin: germline. Not counted in ClinVar's aggregate classification.

Literature cited by the submitters: PubMed 1737786 (cited by Labcorp Genetics (formerly Invitae), Labcorp); PubMed 23076989 (cited by Labcorp Genetics (formerly Invitae), Labcorp); PubMed 1609808 (cited by 4 submitters); PubMed 22674428 (cited by Labcorp Genetics (formerly Invitae), Labcorp); PubMed 25525159 (cited by Institute of Human Genetics, Univ. Regensburg, Univ. Regensburg); PubMed 30094188 (cited by Institute of Human Genetics, Univ. Regensburg, Univ. Regensburg); PubMed 31589614 (cited by Institute of Human Genetics, Univ. Regensburg, Univ. Regensburg); PubMed 31964843 (cited by Institute of Human Genetics, Univ. Regensburg, Univ. Regensburg).